The following is an entry in ClinVar:

ClinVar aggregate classification (germline): Likely benign. Review status: criteria provided, multiple submitters, no conflicts (2 of 4 stars). 3 submissions from 3 submitters: Likely benign (3). Last evaluated 2024-10-08.

Conditions:
Hereditary cancer-predisposing syndrome. Also called: Neoplastic Syndromes, Hereditary; Tumor predisposition; Hereditary neoplastic syndrome; Hereditary Cancer Syndrome. Identifiers: Orphanet 140162, MedGen C0027672, MeSH D009386, MONDO:0015356.
Familial adenomatous polyposis 1 (FAP1). Also called: POLYPOSIS, ADENOMATOUS INTESTINAL; FAMILIAL ADENOMATOUS POLYPOSIS 1, ATTENUATED. Identifiers: MedGen C2713442, MONDO:0021056, OMIM 175100. Disease mechanism: loss of function.

Allele frequency attached by ClinVar (database versions not stated): ExAC 0.00001.
gnomAD v4.1: 8 of 1,610,430 alleles (0.0005%); highest among the groups gnomAD compares: Non-Finnish European, 0.00059%; no homozygotes.

Submissions (3):

Labcorp Genetics (formerly Invitae), Labcorp
Classification: Likely benign for Familial adenomatous polyposis 1. Last evaluated: 2024-10-08. Review status: criteria provided, single submitter. Criteria: Invitae Variant Classification Sherloc (09022015). Collection method: clinical testing. Allele origin: germline.

Myriad Genetics, Inc.
Classification: Likely benign for Familial adenomatous polyposis 1. Last evaluated: 2024-03-06. Review status: criteria provided, single submitter. Criteria: Myriad Autosomal Dominant, Autosomal Recessive and X-Linked Classification Criteria (2023). Collection method: clinical testing. Allele origin: unknown.
Comment: This variant is considered likely benign. This variant is intronic and is not expected to impact mRNA splicing.

Color Diagnostics, LLC DBA Color Health
Classification: Likely benign for Hereditary cancer-predisposing syndrome. Last evaluated: 2017-01-09. Review status: criteria provided, single submitter. Criteria: ACMG Guidelines, 2015. Collection method: clinical testing. Allele origin: germline.

NM_000038.6(APC):c.1626+8T>G

Gene: APC (APC regulator of Wnt signaling pathway; plus strand). Cytogenetic location: 5q22.2.
Variant type: single nucleotide variant.
Coding change: c.1626+8T>G on transcript NM_000038.6 (MANE Select); 8 bases into the intron after coding-DNA position 1626, T replaced by G.
Molecular consequence: intron variant.
Genome position (GRCh38, 1-based): chr5:112,828,014, T>G. VCF-style: chr5-112828014-T-G. GRCh37 (hg19) VCF-style: chr5-112163711-T-G.
Other names: c.1626+8T>G (NM_001354895.2, NM_001127510.3); c.1656+8T>G (NM_001354897.2); c.1353+8T>G (NM_001354902.2); c.1572+8T>G (NM_001127511.3); c.1551+8T>G (NM_001354898.2); c.1248+8T>G (NM_001354904.2); c.777+8T>G (NM_001354906.2); c.1680+8T>G (NM_001354896.2); and 5 more.
Identifiers: ClinVar variation 630114 (VCV000630114.15), dbSNP rs773400235, ClinGen allele CA028771.
Genomic context (GRCh38, chr5:112,828,014, plus strand): 5'-GCATGAGAGCACTTGTGGCCCAACTAAAATCTGAAAGTGAAGACTTACAGCAGGTACTAT[T>G]TAGAATTTCACCTGTTTTTCTTTTTTCTCTTTTTCTTTGAGGCAGGGTCTCACTCTGTCA-3'